The following is an entry in ClinVar:

NM_002691.4(POLD1):c.2428G>T (p.Ala810Ser)

Gene: POLD1 (DNA polymerase delta 1, catalytic subunit; plus strand). Cytogenetic location: 19q13.33.
Variant type: single nucleotide variant.
Coding change: c.2428G>T on transcript NM_002691.4 (MANE Select); coding-DNA position 2428, G replaced by T.
Protein change: p.Ala810Ser; replaces alanine 810 with serine.
Molecular consequence: missense variant. On other transcripts: non-coding transcript variant (1).
Genome position (GRCh38, 1-based): chr19:50,414,854, G>T. VCF-style: chr19-50414854-G-T. GRCh37 (hg19) VCF-style: chr19-50918111-G-T.
Other names: c.2428G>T, p.Ala810Ser (NM_001256849.1); c.2506G>T, p.Ala836Ser (NM_001308632.1); c.2428G>T (NM_002691.2); short protein forms A810S, A836S.
Identifiers: ClinVar variation 469258 (VCV000469258.11), dbSNP rs760358465, ClinGen allele CA9596518.

ClinVar aggregate classification (germline): Uncertain significance. Review status: criteria provided, multiple submitters, no conflicts (2 of 4 stars). 3 submissions from 3 submitters: Uncertain significance (3). Last evaluated 2026-02-20.

Conditions:
Hereditary cancer-predisposing syndrome. Also called: Neoplastic Syndromes, Hereditary; Hereditary neoplastic syndrome; Tumor predisposition; Hereditary Cancer Syndrome. Identifiers: Orphanet 140162, MedGen C0027672, MeSH D009386, MONDO:0015356.
POLD1-related polyposis and colorectal cancer syndrome (CRCS10). Also called: Colorectal cancer 10; COLORECTAL CANCER, SUSCEPTIBILITY TO, ON CHROMOSOME 19q; Colorectal cancer, susceptibility to, 10. Identifiers: Orphanet 220460, MedGen C2675481, MONDO:0012953, OMIM 612591.

Allele frequency attached by ClinVar (database versions not stated): TOPMed 0.00001; gnomAD 0.00003.

Submissions (3):

St. Jude Molecular Pathology, St. Jude Children's Research Hospital
Classification: Uncertain significance for POLD1-related polyposis and colorectal cancer syndrome. Last evaluated: 2026-02-20. Review status: criteria provided, single submitter. Criteria: St. Jude Assertion Criteria 2020. Collection method: clinical testing. Allele origin: germline.
Comment: The POLD1 c.2428G>T p.(Ala810Ser) missense ch ange has a maximum subpopulation frequency of 0.008% in gnomAD v2.1.1. The in silico tool REVEL is inconclusive about a pathogenic or benign effect of this variant on protein function, and to our knowledge functional studies have not been performed. To our knowledge, this variant has not been reported in the literature in individuals with POLD1-related disease. In summary, the evidence currently available is insufficient to determine the clinical significance of this variant. It has therefore been classified as of uncertain significance.

Labcorp Genetics (formerly Invitae), Labcorp
Classification: Uncertain significance for POLD1-related polyposis and colorectal cancer syndrome. Last evaluated: 2025-11-03. Review status: criteria provided, single submitter. Criteria: Invitae Variant Classification Sherloc (09022015). Collection method: clinical testing. Allele origin: germline.
Comment: This sequence change replaces alanine, which is neutral and non-polar, with serine, which is neutral and polar, at codon 810 of the POLD1 protein (p.Ala810Ser). This variant is present in population databases (rs760358465, gnomAD 0.008%). This variant has not been reported in the literature in individuals affected with POLD1-related conditions. ClinVar contains an entry for this variant (Variation ID: 469258). Invitae Evidence Modeling of protein sequence and biophysical properties (such as structural, functional, and spatial information, amino acid conservation, physicochemical variation, residue mobility, and thermodynamic stability) indicates that this missense variant is expected to disrupt POLD1 protein function with a positive predictive value of 80%. In summary, the available evidence is currently insufficient to determine the role of this variant in disease. Therefore, it has been classified as a Variant of Uncertain Significance.

Ambry Genetics
Classification: Uncertain significance for Hereditary cancer-predisposing syndrome. Last evaluated: 2024-12-04. Review status: criteria provided, single submitter. Criteria: Ambry Variant Classification Scheme 2023. Collection method: clinical testing. Allele origin: germline.
Comment: The p.A810S variant (also known as c.2428G>T), located in coding exon 19 of the POLD1 gene, results from a G to T substitution at nucleotide position 2428. The alanine at codon 810 is replaced by serine, an amino acid with similar properties. This amino acid position is highly conserved in available vertebrate species. In addition, the in silico prediction for this alteration is inconclusive. Based on the available evidence, the clinical significance of this variant remains unclear.